The following is an entry in ClinVar:

NM_000059.4(BRCA2):c.3355GAA[1] (p.Glu1120del)

Gene: BRCA2 (BRCA2 DNA repair associated; plus strand). Cytogenetic location: 13q13.1.
Variant type: Microsatellite.
Coding change: c.3355GAA[1] on transcript NM_000059.4 (MANE Select); one copy of the 3-base unit GAA starting at c.3355; the reference has two copies in a row; one copy, 3 bases deleted; also written c.3358_3360del.
Protein change: p.Glu1120del; deletes glutamic acid 1120.
Molecular consequence: inframe deletion. On other transcripts: non-coding transcript variant (1), intron variant (2).
Genome position (GRCh38, 1-based): chr13:32,337,713-32,337,715, GAA deleted; deleting any 3 consecutive bases within chr13:32,337,709-32,337,715 gives the same sequence; the position shown is the placement nearest the transcript's 3' end. VCF-style (leftmost placement, unchanged base first): chr13-32337708-TAGA-T. GRCh37 (hg19) VCF-style: chr13-32911845-TAGA-T.
Other names: c.3355GAA[1], p.Glu1120del (NM_001406719.1, NM_001406720.1); c.1909+4326_1909+4328del (NM_001406721.1); c.424+6683_424+6685del (NM_001406722.1); c.3358_3360del (NM_000059.4); short protein forms E1120del.
Identifiers: ClinVar variation 2774897 (VCV002774897.2), dbSNP rs2548525756, ClinGen allele CA2697551766.
Genomic context (GRCh38, chr13:32,337,708, plus strand): 5'-ATTCAAACCATAATTTAACACCTAGCCAAAAGGCAGAAATTACAGAACTTTCTACTATAT[TAGA>T]AGAATCAGGAAGTCAGTTTGAATTTACTCAGTTTAGAAAACCAAGCTACATATTGCAGAA-3'

ClinVar aggregate classification (germline): Uncertain significance (1 of 4 stars; one submission).

Conditions:
Hereditary cancer-predisposing syndrome. Also called: Neoplastic Syndromes, Hereditary; Tumor predisposition; Hereditary Cancer Syndrome; Hereditary neoplastic syndrome. Identifiers: Orphanet 140162, MedGen C0027672, MeSH D009386, MONDO:0015356.

Submission:

Color Diagnostics, LLC DBA Color Health
Classification: Uncertain significance for Hereditary cancer-predisposing syndrome. Last evaluated: 2023-11-20. Review status: criteria provided, single submitter. Criteria: ACMG Guidelines, 2015. Collection method: clinical testing. Allele origin: germline.
Comment: This variant causes an in-frame deletion of 1 amino acid in the BRCA2 protein. To our knowledge, functional studies have not been reported for this variant. This variant has not been reported in individuals affected with BRCA2-related disorders in the literature. This variant has not been identified in the general population by the Genome Aggregation Database (gnomAD). The available evidence is insufficient to determine the role of this variant in disease conclusively. Therefore, this variant is classified as a Variant of Uncertain Significance.